The following is an entry in ClinVar:

ClinVar aggregate classification (germline): Uncertain significance (1 of 4 stars; one submission).

Submission:

Labcorp Genetics (formerly Invitae), Labcorp
Classification: Uncertain significance. Last evaluated: 2025-05-05. Review status: criteria provided, single submitter. Criteria: Invitae Variant Classification Sherloc (09022015). Collection method: clinical testing. Allele origin: germline.
Comment: This sequence change creates a premature translational stop signal (p.Gln851*) in the DDR2 gene. While this is not anticipated to result in nonsense mediated decay, it is expected to disrupt the last 5 amino acid(s) of the DDR2 protein. This variant is not present in population databases (gnomAD no frequency). This variant has not been reported in the literature in individuals affected with DDR2-related conditions. ClinVar contains an entry for this variant (Variation ID: 1346850). Experimental studies and prediction algorithms are not available or were not evaluated, and the functional significance of this variant is currently unknown. In summary, the available evidence is currently insufficient to determine the role of this variant in disease. Therefore, it has been classified as a Variant of Uncertain Significance.

NM_006182.4(DDR2):c.2551C>T (p.Gln851Ter)

Gene: DDR2 (discoidin domain receptor tyrosine kinase 2; plus strand). Cytogenetic location: 1q23.3.
Variant type: single nucleotide variant.
Coding change: c.2551C>T on transcript NM_006182.4 (MANE Select); coding-DNA position 2551, C replaced by T.
Protein change: p.Gln851Ter; replaces glutamine 851 with a stop codon.
Molecular consequence: nonsense.
Genome position (GRCh38, 1-based): chr1:162,780,229, C>T. VCF-style: chr1-162780229-C-T. GRCh37 (hg19) VCF-style: chr1-162750019-C-T.
Other names: c.2551C>T, p.Gln851Ter (NM_001014796.3, NM_001354982.2, NM_001354983.2); short protein forms Q851*.
Identifiers: ClinVar variation 1346850 (VCV001346850.6), dbSNP rs2102211776, ClinGen allele CA343417998.